The following is an entry in ClinVar:

NM_000208.4(INSR):c.3196C>T (p.Arg1066Ter)

Gene: INSR (insulin receptor; minus strand). Cytogenetic location: 19p13.2.
Variant type: single nucleotide variant.
Coding change: c.3196C>T on transcript NM_000208.4 (MANE Select); coding-DNA position 3196, C replaced by T.
Protein change: p.Arg1066Ter; replaces arginine 1066 with a stop codon.
Molecular consequence: nonsense.
Genome position (GRCh38, 1-based): chr19:7,125,345, G>A on the plus strand (C>T on the coding strand, the complement: INSR is on the minus strand). VCF-style: chr19-7125345-G-A. GRCh37 (hg19) VCF-style: chr19-7125356-G-A.
Other names: c.3160C>T, p.Arg1054Ter (NM_001079817.3); short protein forms R1054*, R1066*.
Identifiers: ClinVar variation 3340447 (VCV003340447.1).

ClinVar aggregate classification (germline): Pathogenic (1 of 4 stars; one submission).

Conditions:
Hyperinsulinism due to INSR deficiency. Also called: Hyperinsulinism due to glutamodehydrogenase deficiency. Identifiers: Orphanet 263458, MedGen C1864952, MONDO:0012381, OMIM 609968.

gnomAD v4.1: 11 of 1,614,062 alleles (0.00068%); highest among the groups gnomAD compares: Non-Finnish European, 0.00076%; no homozygotes.

Submission:

Seattle Children's Hospital Molecular Genetics Laboratory, Seattle Children's Hospital
Classification: Pathogenic for Hyperinsulinism due to INSR deficiency. Review status: criteria provided, single submitter. Criteria: ACMG Guidelines, 2015. Collection method: clinical testing. Allele origin: germline. Affected: yes.
Comment: The p.Arg1066* variant has been reported in the medical literature in one individual with Donahue syndrome (MIM: 246200); PMID: 26160152, 33663443). This individual carried the p.Arg1066* variant in trans with a second pathogenic INSR variant. There was no reported family history of diabetes but it is unclear what clinical evaluation was performed for the father (PMID: 26160152). Functional studies using fibroblasts derived from the affected individual showed reduced expression of the mature INSR beta-subunit at the cell surface (PMID: 26160152).